The following is an entry in ClinVar:

ClinVar aggregate classification (germline): Conflicting classifications of pathogenicity. Review status: criteria provided, conflicting classifications (1 of 4 stars). 3 submissions from 3 submitters: Uncertain significance (2); Likely benign (1). Last evaluated 2024-10-11.

Conditions:
Primary ciliary dyskinesia. Also called: Ciliary dyskinesia. Identifiers: Orphanet 244, MedGen C0008780, MONDO:0016575, HP:0012265.
Primary ciliary dyskinesia 7. Also called: CILIARY DYSKINESIA, PRIMARY, 7, WITH OR WITHOUT SITUS INVERSUS. Identifiers: Orphanet 244, MedGen C2678473, MONDO:0012748, OMIM 611884.

Allele frequency attached by ClinVar (database versions not stated): ExAC 0.00001; gnomAD 0.00001; TOPMed 0.00001.
gnomAD v4.1: 17 of 1,613,374 alleles (0.0011%); highest among the groups gnomAD compares: African/African-American, 0.0067%; no homozygotes.

Submissions (3):

Ambry Genetics
Classification: Uncertain significance for Primary ciliary dyskinesia. Last evaluated: 2024-10-11. Review status: criteria provided, single submitter. Criteria: Ambry Variant Classification Scheme 2023. Collection method: clinical testing. Allele origin: germline.

3billion
Classification: Uncertain significance for Primary ciliary dyskinesia 7. Last evaluated: 2024-07-25. Review status: criteria provided, single submitter. Criteria: ACMG Guidelines, 2015. Collection method: clinical testing. Allele origin: germline. Affected: yes.
Comment: The variant is observed at an extremely low frequency in the gnomAD v4.0.0 dataset (total allele frequency: 0.001%). Predicted Consequence/Location: The majority of the known disease-causing variants of this gene are variants expected to result in premature termination of the protein. In silico tool predictions suggest damaging effect of the variant on gene or gene product [3Cnet: 0.87 (>=0.6, sensitivity 0.72 and precision 0.9)]. The variant has been reported as of uncertain significance (ClinVar ID: VCV002746688). Therefore, this variant is classified as VUS according to the recommendation of ACMG/AMP guideline.

Labcorp Genetics (formerly Invitae), Labcorp
Classification: Likely benign for Primary ciliary dyskinesia. Last evaluated: 2023-09-28. Review status: criteria provided, single submitter. Criteria: Invitae Variant Classification Sherloc (09022015). Collection method: clinical testing. Allele origin: germline.

NM_001277115.2(DNAH11):c.5594G>A (p.Arg1865Gln)

Gene: DNAH11 (dynein axonemal heavy chain 11; plus strand). Cytogenetic location: 7p15.3.
Variant type: single nucleotide variant.
Coding change: c.5594G>A on transcript NM_001277115.2 (MANE Select); coding-DNA position 5594, G replaced by A.
Protein change: p.Arg1865Gln; replaces arginine 1865 with glutamine.
Molecular consequence: missense variant.
Genome position (GRCh38, 1-based): chr7:21,683,917, G>A. VCF-style: chr7-21683917-G-A. GRCh37 (hg19) VCF-style: chr7-21723535-G-A.
Other names: c.5594G>A (NM_001277115.1); c.5615G>A, p.Arg1872Gln (NM_003777.3); short protein forms R1872Q, R1865Q.
Identifiers: ClinVar variation 2746688 (VCV002746688.5), dbSNP rs749869317, ClinGen allele CA4180475.